The following is an entry in ClinVar:

NM_152468.5(TMC8):c.1418A>G (p.Lys473Arg)

Gene: TMC8 (transmembrane channel like 8; plus strand). Cytogenetic location: 17q25.3.
Variant type: single nucleotide variant.
Coding change: c.1418A>G on transcript NM_152468.5 (MANE Select); coding-DNA position 1418, A replaced by G.
Protein change: p.Lys473Arg; replaces lysine 473 with arginine.
Molecular consequence: missense variant.
Genome position (GRCh38, 1-based): chr17:78,138,073, A>G. VCF-style: chr17-78138073-A-G. GRCh37 (hg19) VCF-style: chr17-76134154-A-G.
Other names: short protein forms K473R.
Identifiers: ClinVar variation 2417405 (VCV002417405.4), dbSNP rs1053461998, ClinGen allele CA294366956.

ClinVar aggregate classification (germline): Uncertain significance (1 of 4 stars; one submission).

Conditions:
Epidermodysplasia verruciformis. Identifiers: Orphanet 302, MedGen C0014522, MONDO:0009176.

Allele frequency attached by ClinVar (database versions not stated): gnomAD 0.00003.
gnomAD v4.1: 10 of 1,613,986 alleles (0.00062%); highest among the groups gnomAD compares: African/African-American, 0.008%; no homozygotes.

Submission:

Labcorp Genetics (formerly Invitae), Labcorp
Classification: Uncertain significance for Epidermodysplasia verruciformis. Last evaluated: 2022-06-24. Review status: criteria provided, single submitter. Criteria: Invitae Variant Classification Sherloc (09022015). Collection method: clinical testing. Allele origin: germline.
Comment: This sequence change replaces lysine, which is basic and polar, with arginine, which is basic and polar, at codon 473 of the TMC8 protein (p.Lys473Arg). This variant is present in population databases (no rsID available, gnomAD 0.008%). This variant has not been reported in the literature in individuals affected with TMC8-related conditions. Algorithms developed to predict the effect of missense changes on protein structure and function are either unavailable or do not agree on the potential impact of this missense change (SIFT: "Tolerated"; PolyPhen-2: "Possibly Damaging"; Align-GVGD: "Class C0"). In summary, the available evidence is currently insufficient to determine the role of this variant in disease. Therefore, it has been classified as a Variant of Uncertain Significance.